The following is an entry in ClinVar:

ClinVar aggregate classification (germline): Uncertain significance (1 of 4 stars; one submission).

Conditions:
Immunodeficiency 14 (IMD14A). Also called: ACTIVATED PI3K-DELTA SYNDROME 1; IMMUNODEFICIENCY 14A WITH LYMPHOPROLIFERATION, AUTOSOMAL DOMINANT; Activated PI3K Delta Syndrome Type 1 (APDS1); p110-DELTA-ACTIVATING MUTATION CAUSING SENESCENT T CELLS, LYMPHADENOPATHY, AND IMMUNODEFICIENCY. Identifiers: Orphanet 397596, Orphanet 693661, MedGen C5907821, MONDO:0014222, OMIM 615513.

Allele frequency attached by ClinVar (database versions not stated): gnomAD exomes below 0.00001; ExAC 0.00001; TOPMed 0.00001.
gnomAD v4.1: 19 of 1,613,346 alleles (0.0012%); highest among the groups gnomAD compares: South Asian, 0.0055%; no homozygotes.

Submission:

Labcorp Genetics (formerly Invitae), Labcorp
Classification: Uncertain significance for Activated PI3K-delta syndrome. Last evaluated: 2020-09-08. Review status: criteria provided, single submitter. Criteria: Invitae Variant Classification Sherloc (09022015). Collection method: clinical testing. Allele origin: germline.
Comment: This sequence change replaces arginine with tryptophan at codon 601 of the PIK3CD protein (p.Arg601Trp). The arginine residue is moderately conserved and there is a moderate physicochemical difference between arginine and tryptophan. In summary, the available evidence is currently insufficient to determine the role of this variant in disease. Therefore, it has been classified as a Variant of Uncertain Significance. Algorithms developed to predict the effect of missense changes on protein structure and function are either unavailable or do not agree on the potential impact of this missense change (SIFT: "Deleterious"; PolyPhen-2: "Benign"; Align-GVGD: "Class C25"). This variant has not been reported in the literature in individuals with PIK3CD-related conditions. The frequency data for this variant in the population databases is considered unreliable, as metrics indicate poor data quality at this position in the ExAC database.

NM_005026.5(PIK3CD):c.1801C>T (p.Arg601Trp)

Gene: PIK3CD (phosphatidylinositol-4,5-bisphosphate 3-kinase catalytic subunit delta; plus strand). Cytogenetic location: 1p36.22.
Variant type: single nucleotide variant.
Coding change: c.1801C>T on transcript NM_005026.5 (MANE Select); coding-DNA position 1801, C replaced by T.
Protein change: p.Arg601Trp; replaces arginine 601 with tryptophan.
Molecular consequence: missense variant.
Genome position (GRCh38, 1-based): chr1:9,721,238, C>T. VCF-style: chr1-9721238-C-T. GRCh37 (hg19) VCF-style: chr1-9781296-C-T.
Other names: c.1798C>T, p.Arg600Trp (NM_001350234.2); c.1714C>T, p.Arg572Trp (NM_001350235.1); short protein forms R572W, R600W, R601W.
Identifiers: ClinVar variation 1058110 (VCV001058110.9), dbSNP rs763994711, ClinGen allele CA577325.